The following is an entry in ClinVar:

NM_001369.3(DNAH5):c.8757G>C (p.Glu2919Asp)

Gene: DNAH5 (dynein axonemal heavy chain 5; minus strand). Cytogenetic location: 5p15.2.
Variant type: single nucleotide variant.
Coding change: c.8757G>C on transcript NM_001369.3 (MANE Select); coding-DNA position 8757, G replaced by C.
Protein change: p.Glu2919Asp; replaces glutamic acid 2919 with aspartic acid.
Molecular consequence: missense variant.
Genome position (GRCh38, 1-based): chr5:13,786,242, C>G on the plus strand (G>C on the coding strand, the complement: DNAH5 is on the minus strand). VCF-style: chr5-13786242-C-G. GRCh37 (hg19) VCF-style: chr5-13786351-C-G.
Other names: p.Glu2919Asp; short protein forms E2919D.
Identifiers: ClinVar variation 188365 (VCV000188365.61), dbSNP rs115776799, ClinGen allele CA203161.
Genomic context (GRCh38, chr5:13,786,242, plus strand): 5'-GACTAAGTGAACCATGGCATCTGCAAAGAACACCATGTCCATGCCGGCGCCACGGATGCT[C>G]TCATTATAGAGCTGCAGGAACATATTCAGACGCTCTTTTAGGTGACTAAAAGATTCAATT-3'
Protein context (NP_001360.1, residues 2909-2929): RLNMFLQLYN[Glu2919Asp]SIRGAGMDMV

ClinVar aggregate classification (germline): Conflicting classifications of pathogenicity. Review status: criteria provided, conflicting classifications (1 of 4 stars). 11 submissions from 11 submitters: Uncertain significance (2); Benign (4); Likely benign (4). 1 of the submissions does not count toward it. Last evaluated 2026-04-01.

Conditions:
Primary ciliary dyskinesia. Also called: Ciliary dyskinesia. Identifiers: Orphanet 244, MedGen C0008780, MONDO:0016575, HP:0012265.
Primary ciliary dyskinesia 3. Identifiers: Orphanet 244, MedGen C1837618, MONDO:0012085, OMIM 608644.

Allele frequency attached by ClinVar (database versions not stated): 1000 Genomes Project 0.00080; 1000 Genomes Project 30x 0.00125; TOPMed 0.00243; gnomAD 0.00334; ESP Exome Variant Server 0.00354; gnomAD exomes 0.00421.
gnomAD v4.1: 6,476 of 1,614,082 alleles (0.4%); highest among the groups gnomAD compares: Non-Finnish European, 0.46%; 19 homozygotes.

Submissions (11):

CeGaT Center for Human Genetics Tuebingen
Classification: Likely benign. Last evaluated: 2026-04-01. Review status: criteria provided, single submitter. Criteria: CeGaT Center For Human Genetics Tuebingen Variant Classification Criteria Version 2. Collection method: clinical testing. Allele origin: germline. Affected: yes. Observed: 7 variant alleles.
Comment: DNAH5: BS2

Labcorp Genetics (formerly Invitae), Labcorp
Classification: Benign for Primary ciliary dyskinesia. Last evaluated: 2026-02-02. Review status: criteria provided, single submitter. Criteria: Invitae Variant Classification Sherloc (09022015). Collection method: clinical testing. Allele origin: germline.

Mayo Clinic Laboratories, Mayo Clinic
Classification: Benign. Last evaluated: 2025-10-17. Review status: criteria provided, single submitter. Criteria: ACMG Guidelines, 2015. Collection method: clinical testing. Allele origin: germline. Observed: 1 variant allele.
Comment: BS1, BS2, BP4_moderate

Blueprint Genetics
Classification: Likely benign. Last evaluated: 2024-11-21. Review status: criteria provided, single submitter. Criteria: ACMG Guidelines, 2015. Collection method: clinical testing. Allele origin: germline.

ARUP Laboratories, Molecular Genetics and Genomics, ARUP Laboratories
Classification: Likely benign for Primary ciliary dyskinesia 3. Last evaluated: 2024-03-08. Review status: criteria provided, single submitter. Criteria: ARUP Molecular Germline Variant Investigation Process 2024. Collection method: clinical testing. Allele origin: germline.

Genetics and Molecular Pathology, SA Pathology
Classification: Uncertain significance for Primary ciliary dyskinesia 3. Last evaluated: 2019-11-28. Review status: criteria provided, single submitter. Criteria: ACMG Guidelines, 2015. Collection method: clinical testing. Allele origin: germline. Affected: yes.

Illumina Laboratory Services, Illumina
Classification: Uncertain significance for Primary ciliary dyskinesia 3. Last evaluated: 2018-01-13. Review status: criteria provided, single submitter. Criteria: ICSL Variant Classification Criteria 13 December 2019. Collection method: clinical testing. Allele origin: germline.

Ambry Genetics
Classification: Benign for Primary ciliary dyskinesia. Last evaluated: 2014-12-11. Review status: criteria provided, single submitter. Criteria: Ambry Variant Classification Scheme 2023. Collection method: clinical testing. Allele origin: germline.

Eurofins Ntd Llc (ga)
Classification: Benign. Last evaluated: 2014-07-22. Review status: criteria provided, single submitter. Criteria: EGL Classification Definitions 2015. Collection method: clinical testing. Allele origin: germline. Observed: 1 variant allele, 1 heterozygote.

PreventionGenetics, part of Exact Sciences
Classification: Likely benign. Review status: criteria provided, single submitter. Criteria: ACMG Guidelines, 2015. Collection method: clinical testing. Allele origin: germline.

Natera, Inc.
Classification: Likely benign for Primary ciliary dyskinesia. Last evaluated: 2020-01-11. Review status: no assertion criteria provided. Collection method: clinical testing. Allele origin: germline. Not counted in ClinVar's aggregate classification.

Literature cited by the submitters: PubMed 32859249 (cited by Mayo Clinic Laboratories, Mayo Clinic).